The following is an entry in ClinVar:

NM_000439.5(PCSK1):c.1855G>C (p.Gly619Arg)

Genes: CAST (calpastatin; plus strand), PCSK1 (proprotein convertase subtilisin/kexin type 1; minus strand), LOC101929710 (uncharacterized LOC101929710; plus strand). Cytogenetic location: 5q15.
Variant type: single nucleotide variant.
Coding change: c.1855G>C on transcript NM_000439.5 (MANE Select); coding-DNA position 1855, G replaced by C.
Protein change: p.Gly619Arg; replaces glycine 619 with arginine.
Molecular consequence: missense variant. On other transcripts: intron variant (11).
Genome position (GRCh38, 1-based): chr5:96,394,893, C>G on the plus strand (G>C on the coding strand, the complement: PCSK1 is on the minus strand). VCF-style: chr5-96394893-C-G. GRCh37 (hg19) VCF-style: chr5-95730597-C-G.
Other names: c.1714G>C, p.Gly572Arg (NM_001177875.2); c.-175+15241C>G (NM_001423254.1, NM_001423259.1, NM_001423255.1 and 6 more transcripts); c.-103+15241C>G (NM_001423253.1); c.-40+15241C>G (NM_001423258.1); short protein forms G572R, G619R.
Identifiers: ClinVar variation 3350878 (VCV003350878.1).
Genomic context (GRCh38, chr5:96,394,893, plus strand): 5'-GAGAGCATGCCAAGAACAGAGCCACACAGACCTCCCCTGGATCCACCATCTTCTCCACCC[C>G]TCTTCTGTCATTCTGAACAGTGTTGTAGGACGTGTACACACGAGGCTGCTTCATATGCTC-3'
Protein context (NP_000430.3, residues 609-629): SYNTVQNDRR[Gly619Arg]VEKMVDPGEE

ClinVar aggregate classification (germline): Uncertain significance (0 of 4 stars; one submission).

Conditions:
PCSK1-related disorder. Also called: PCSK1-related condition.

gnomAD v4.1: 9 of 1,614,040 alleles (0.00056%); highest among the groups gnomAD compares: African/African-American, 0.011%; no homozygotes.

Submission:

PreventionGenetics, part of Exact Sciences
Classification: Uncertain significance for PCSK1-related condition. Last evaluated: 2024-08-19. Review status: no assertion criteria provided. Collection method: clinical testing. Allele origin: germline.
Comment: The PCSK1 c.1855G>C variant is predicted to result in the amino acid substitution p.Gly619Arg. This variant was documented as a "potentially consequential variant" in a study of PCSK1 variants (Pickett et al. 2013. PubMed ID: 23383060). This variant was observed in a cohort of individuals with obesity, and in vitro functional studies showed function similar to wild-type levels (Supplemental Data Set, Shah et al. 2023. PubMed ID: 36864747; Folon et al. PubMed ID: 36822744).This variant is reported in 0.018% of alleles in individuals of African descent in gnomAD. Although we suspect that this variant may be benign, at this time, the clinical significance of this variant is uncertain due to the absence of conclusive functional and genetic evidence.